The following is an entry in ClinVar:

ClinVar aggregate classification (germline): Uncertain significance (1 of 4 stars; one submission).

Submission:

Labcorp Genetics (formerly Invitae), Labcorp
Classification: Uncertain significance. Last evaluated: 2021-09-01. Review status: criteria provided, single submitter. Criteria: Invitae Variant Classification Sherloc (09022015). Collection method: clinical testing. Allele origin: germline.
Comment: This sequence change replaces glycine with valine at codon 1126 of the TRPM1 protein (p.Gly1126Val). The glycine residue is weakly conserved and there is a moderate physicochemical difference between glycine and valine. This variant is not present in population databases (ExAC no frequency). This variant has not been reported in the literature in individuals affected with TRPM1-related conditions. Algorithms developed to predict the effect of missense changes on protein structure and function (SIFT, PolyPhen-2, Align-GVGD) all suggest that this variant is likely to be tolerated. In summary, the available evidence is currently insufficient to determine the role of this variant in disease. Therefore, it has been classified as a Variant of Uncertain Significance.

NM_001252024.2(TRPM1):c.3443G>T (p.Gly1148Val)

Genes: TRPM1 (transient receptor potential cation channel subfamily M member 1; minus strand), TRPM1-AS1 (TRPM1 antisense RNA 1; plus strand), LOC126862088 (BRD4-independent group 4 enhancer GRCh37_chr15:31318084-31319283; plus strand). Cytogenetic location: 15q13.3.
Variant type: single nucleotide variant.
Coding change: c.3443G>T on transcript NM_001252024.2 (MANE Select); coding-DNA position 3443, G replaced by T.
Protein change: p.Gly1148Val; replaces glycine 1148 with valine.
Molecular consequence: missense variant.
Genome position (GRCh38, 1-based): chr15:31,026,968, C>A on the plus strand (G>T on the coding strand, the complement: TRPM1 is on the minus strand). VCF-style: chr15-31026968-C-A. GRCh37 (hg19) VCF-style: chr15-31319171-C-A.
Other names: c.3494G>T, p.Gly1165Val (NM_001252020.2); c.3377G>T, p.Gly1126Val (NM_002420.6); short protein forms G1126V, G1148V, G1165V.
Identifiers: ClinVar variation 965892 (VCV000965892.7), dbSNP rs2032795814, ClinGen allele CA391541399.
Genomic context (GRCh38, chr15:31,026,968, plus strand): 5'-CACATACTCAATCCACGATCCCGTTCCTCTTGGTCCCCTTCTCTCTTTTTCCTGCAGCGG[C>A]CGCTGAGACGCATAATGATGATGTAGATGTGGCTTAAAATGATCATCGGTGGGGGCAGGA-3'
Protein context (NP_001238953.1, residues 1138-1158): HIYIIIMRLS[Gly1148Val]RCRKKREGDQ